The following is an entry in ClinVar:

ClinVar aggregate classification (germline): Uncertain significance. Review status: criteria provided, multiple submitters, no conflicts (2 of 4 stars). 2 submissions from 2 submitters: Uncertain significance (2). Last evaluated 2025-11-06.

Conditions:
ELMOD3-related disorder. Also called: ELMOD3-related condition.

gnomAD v4.1: 1 of 1,614,112 alleles (0.000062%); highest among the groups gnomAD compares: Non-Finnish European, 0.000085%; no homozygotes.

Submissions (2):

PreventionGenetics, part of Exact Sciences
Classification: Uncertain significance for ELMOD3-related condition. Last evaluated: 2025-11-06. Review status: criteria provided, single submitter. Criteria: ACMG Guidelines, 2015. Collection method: clinical testing. Allele origin: germline.
Comment: The ELMOD3 c.744C>A variant is predicted to result in the amino acid substitution p.Phe248Leu. To our knowledge, this variant has not been reported in the literature. This variant is reported in 0.00088% of alleles in individuals of European (Non-Finnish) descent in gnomAD. At this time, the clinical significance of this variant is uncertain due to the absence of conclusive functional and genetic evidence.

Labcorp Genetics (formerly Invitae), Labcorp
Classification: Uncertain significance. Last evaluated: 2022-06-15. Review status: criteria provided, single submitter. Criteria: Invitae Variant Classification Sherloc (09022015). Collection method: clinical testing. Allele origin: germline.
Comment: This variant has not been reported in the literature in individuals affected with ELMOD3-related conditions. This variant is present in population databases (rs780266533, gnomAD 0.0009%). This sequence change replaces phenylalanine, which is neutral and non-polar, with leucine, which is neutral and non-polar, at codon 248 of the ELMOD3 protein (p.Phe248Leu). In summary, the available evidence is currently insufficient to determine the role of this variant in disease. Therefore, it has been classified as a Variant of Uncertain Significance. Algorithms developed to predict the effect of missense changes on protein structure and function are either unavailable or do not agree on the potential impact of this missense change (SIFT: "Tolerated"; PolyPhen-2: "Probably Damaging"; Align-GVGD: "Class C0").

NM_001135022.2(ELMOD3):c.744C>A (p.Phe248Leu)

Gene: ELMOD3 (ELMO domain containing 3; plus strand). Cytogenetic location: 2p11.2.
Variant type: single nucleotide variant.
Coding change: c.744C>A on transcript NM_001135022.2 (MANE Select); coding-DNA position 744, C replaced by A.
Protein change: p.Phe248Leu; replaces phenylalanine 248 with leucine.
Molecular consequence: missense variant. On other transcripts: non-coding transcript variant (3).
Genome position (GRCh38, 1-based): chr2:85,389,756, C>A. VCF-style: chr2-85389756-C-A. GRCh37 (hg19) VCF-style: chr2-85616879-C-A.
Other names: c.744C>A (NM_001135021.1); c.744C>A, p.Phe248Leu (NM_001135021.2, NM_001135023.2, NM_001329791.2 and 3 more transcripts); short protein forms F248L.
Identifiers: ClinVar variation 1929492 (VCV001929492.6), dbSNP rs780266533, ClinGen allele CA1740466.